The following is an entry in ClinVar:

ClinVar aggregate classification (germline): Uncertain significance (1 of 4 stars; one submission).

gnomAD v4.1: 2 of 1,614,168 alleles (0.00012%); highest among the groups gnomAD compares: Admixed American, 0.0033%; no homozygotes.

Submission:

Labcorp Genetics (formerly Invitae), Labcorp
Classification: Uncertain significance. Last evaluated: 2021-05-16. Review status: criteria provided, single submitter. Criteria: Invitae Variant Classification Sherloc (09022015). Collection method: clinical testing. Allele origin: germline.
Comment: Algorithms developed to predict the effect of missense changes on protein structure and function (SIFT, PolyPhen-2, Align-GVGD) all suggest that this variant is likely to be disruptive, but these predictions have not been confirmed by published functional studies and their clinical significance is uncertain. In summary, the available evidence is currently insufficient to determine the role of this variant in disease. Therefore, it has been classified as a Variant of Uncertain Significance. This variant has not been reported in the literature in individuals with RUSC2-related conditions. This sequence change replaces tryptophan with arginine at codon 229 of the RUSC2 protein (p.Trp229Arg). The tryptophan residue is highly conserved and there is a moderate physicochemical difference between tryptophan and arginine. This variant is not present in population databases (ExAC no frequency).

NM_014806.5(RUSC2):c.685T>C (p.Trp229Arg)

Gene: RUSC2 (RUN and SH3 domain containing 2; plus strand). Cytogenetic location: 9p13.3.
Variant type: single nucleotide variant.
Coding change: c.685T>C on transcript NM_014806.5 (MANE Select); coding-DNA position 685, T replaced by C.
Protein change: p.Trp229Arg; replaces tryptophan 229 with arginine.
Molecular consequence: missense variant. On other transcripts: non-coding transcript variant (1), intron variant (1).
Genome position (GRCh38, 1-based): chr9:35,547,206, T>C. VCF-style: chr9-35547206-T-C. GRCh37 (hg19) VCF-style: chr9-35547203-T-C.
Other names: c.685T>C, p.Trp229Arg (NM_001135999.2); c.-620-7854T>C (NM_001330740.2); short protein forms W229R.
Identifiers: ClinVar variation 1514765 (VCV001514765.8), dbSNP rs746193398, ClinGen allele CA373328405.